The following is an entry in ClinVar:

NM_017763.6(RNF43):c.1850G>A (p.Arg617Lys)

Gene: RNF43 (ring finger protein 43; minus strand). Cytogenetic location: 17q22.
Variant type: single nucleotide variant.
Coding change: c.1850G>A on transcript NM_017763.6 (MANE Select); coding-DNA position 1850, G replaced by A.
Protein change: p.Arg617Lys; replaces arginine 617 with lysine.
Molecular consequence: missense variant.
Genome position (GRCh38, 1-based): chr17:58,357,926, C>T on the plus strand (G>A on the coding strand, the complement: RNF43 is on the minus strand). VCF-style: chr17-58357926-C-T. GRCh37 (hg19) VCF-style: chr17-56435287-C-T.
Other names: c.1850G>A, p.Arg617Lys (NM_001305544.3); c.1469G>A, p.Arg490Lys (NM_001305545.2); short protein forms R490K, R617K.
Identifiers: ClinVar variation 3660140 (VCV003660140.2).

ClinVar aggregate classification (germline): Uncertain significance (1 of 4 stars; one submission).

Submission:

Labcorp Genetics (formerly Invitae), Labcorp
Classification: Uncertain significance. Last evaluated: 2024-07-22. Review status: criteria provided, single submitter. Criteria: Invitae Variant Classification Sherloc (09022015). Collection method: clinical testing. Allele origin: germline.
Comment: This sequence change replaces arginine, which is basic and polar, with lysine, which is basic and polar, at codon 617 of the RNF43 protein (p.Arg617Lys). This variant is not present in population databases (gnomAD no frequency). This variant has not been reported in the literature in individuals affected with RNF43-related conditions. An algorithm developed to predict the effect of missense changes on protein structure and function outputs the following: PolyPhen-2: "Benign". The lysine amino acid residue is found in multiple mammalian species, which suggests that this missense change does not adversely affect protein function. In summary, the available evidence is currently insufficient to determine the role of this variant in disease. Therefore, it has been classified as a Variant of Uncertain Significance.